The following is an entry in ClinVar:

NM_022049.3(GPR88):c.788C>G (p.Ala263Gly)

Gene: GPR88 (G protein-coupled receptor 88; plus strand). Cytogenetic location: 1p21.2.
Variant type: single nucleotide variant.
Coding change: c.788C>G on transcript NM_022049.3 (MANE Select); coding-DNA position 788, C replaced by G.
Protein change: p.Ala263Gly; replaces alanine 263 with glycine.
Molecular consequence: missense variant.
Genome position (GRCh38, 1-based): chr1:100,539,754, C>G. VCF-style: chr1-100539754-C-G. GRCh37 (hg19) VCF-style: chr1-101005310-C-G.
Other names: c.788C>G (NM_022049.2); short protein forms A263G.
Identifiers: ClinVar variation 1901909 (VCV001901909.6), dbSNP rs900869494, ClinGen allele CA28152867.

ClinVar aggregate classification (germline): Uncertain significance. Review status: criteria provided, multiple submitters, no conflicts (2 of 4 stars). 2 submissions from 2 submitters: Uncertain significance (2). Last evaluated 2024-05-30.

Allele frequency attached by ClinVar (database versions not stated): gnomAD 0.00003.

Submissions (2):

Ambry Genetics
Classification: Uncertain significance. Last evaluated: 2024-05-30. Review status: criteria provided, single submitter. Criteria: Ambry Variant Classification Scheme 2023. Collection method: clinical testing. Allele origin: germline.

Labcorp Genetics (formerly Invitae), Labcorp
Classification: Uncertain significance. Last evaluated: 2024-05-02. Review status: criteria provided, single submitter. Criteria: Invitae Variant Classification Sherloc (09022015). Collection method: clinical testing. Allele origin: germline.
Comment: This sequence change replaces alanine, which is neutral and non-polar, with glycine, which is neutral and non-polar, at codon 263 of the GPR88 protein (p.Ala263Gly). The frequency data for this variant in the population databases is considered unreliable, as metrics indicate insufficient coverage at this position in the gnomAD database. This variant has not been reported in the literature in individuals affected with GPR88-related conditions. ClinVar contains an entry for this variant (Variation ID: 1901909). Experimental studies and prediction algorithms are not available or were not evaluated, and the functional significance of this variant is currently unknown. In summary, the available evidence is currently insufficient to determine the role of this variant in disease. Therefore, it has been classified as a Variant of Uncertain Significance.